The following is an entry in ClinVar:

ClinVar aggregate classification (germline): Uncertain significance. Review status: criteria provided, multiple submitters, no conflicts (2 of 4 stars). 2 submissions from 2 submitters: Uncertain significance (2). Last evaluated 2022-04-11.

Allele frequency attached by ClinVar (database versions not stated): TOPMed below 0.00001; gnomAD exomes 0.00002.
gnomAD v4.1: 22 of 1,558,778 alleles (0.0014%); highest among the groups gnomAD compares: East Asian, 0.0072%; no homozygotes.

Submissions (2):

Labcorp Genetics (formerly Invitae), Labcorp
Classification: Uncertain significance. Last evaluated: 2022-04-11. Review status: criteria provided, single submitter. Criteria: Invitae Variant Classification Sherloc (09022015). Collection method: clinical testing. Allele origin: germline.
Comment: In summary, the available evidence is currently insufficient to determine the role of this variant in disease. Therefore, it has been classified as a Variant of Uncertain Significance. Experimental studies have shown that this missense change affects FSCN2 function (PMID: 23658152). Algorithms developed to predict the effect of missense changes on protein structure and function are either unavailable or do not agree on the potential impact of this missense change (SIFT: "Tolerated"; PolyPhen-2: "Probably Damaging"; Align-GVGD: "Class C0"). ClinVar contains an entry for this variant (Variation ID: 1308722). This variant has not been reported in the literature in individuals affected with FSCN2-related conditions. This variant is not present in population databases (gnomAD no frequency). This sequence change replaces arginine, which is basic and polar, with histidine, which is basic and polar, at codon 109 of the FSCN2 protein (p.Arg109His).

GeneDx
Classification: Uncertain significance. Last evaluated: 2019-10-01. Review status: criteria provided, single submitter. Criteria: GeneDx Variant Classification Process June 2021. Collection method: clinical testing. Allele origin: germline. Affected: yes.
Comment: Not observed in large population cohorts (Lek et al., 2016); In silico analysis, which includes protein predictors and evolutionary conservation, supports that this variant does not alter protein structure/function; Has not been previously published as pathogenic or benign to our knowledge

Literature cited by the submitters: PubMed 23658152 (cited by Labcorp Genetics (formerly Invitae), Labcorp).

NM_012418.4(FSCN2):c.326G>A (p.Arg109His)

Gene: FSCN2 (fascin actin-bundling protein 2, retinal; plus strand). Cytogenetic location: 17q25.3.
Variant type: single nucleotide variant.
Coding change: c.326G>A on transcript NM_012418.4 (MANE Select); coding-DNA position 326, G replaced by A.
Protein change: p.Arg109His; replaces arginine 109 with histidine.
Molecular consequence: missense variant.
Genome position (GRCh38, 1-based): chr17:81,528,857, G>A. VCF-style: chr17-81528857-G-A. GRCh37 (hg19) VCF-style: chr17-79495883-G-A.
Other names: c.326G>A, p.Arg109His (NM_001077182.3); short protein forms R109H.
Identifiers: ClinVar variation 1308722 (VCV001308722.6), dbSNP rs1326159367, ClinGen allele CA401470550.